The following is an entry in ClinVar:

NM_006509.4(RELB):c.1181C>T (p.Pro394Leu)

Gene: RELB (RELB proto-oncogene, NF-kB subunit; plus strand). Cytogenetic location: 19q13.32.
Variant type: single nucleotide variant.
Coding change: c.1181C>T on transcript NM_006509.4 (MANE Select); coding-DNA position 1181, C replaced by T.
Protein change: p.Pro394Leu; replaces proline 394 with leucine.
Molecular consequence: missense variant.
Genome position (GRCh38, 1-based): chr19:45,032,723, C>T. VCF-style: chr19-45032723-C-T. GRCh37 (hg19) VCF-style: chr19-45535981-C-T.
Other names: c.1172C>T, p.Pro391Leu (NM_001411087.1); short protein forms P391L, P394L.
Identifiers: ClinVar variation 2835464 (VCV002835464.3), dbSNP rs1568405051, ClinGen allele CA406305771.
Genomic context (GRCh38, chr19:45,032,723, plus strand): 5'-CCGTGACAGTCAACGTCTTCCTGCAGCGGCTCACCGATGGGGTCTGCAGCGAGCCATTGC[C>T]TTTCACGTACCTGCCTCGCGACCATGGTAACTACAGCAACCCAGGGTGACCCACCACCTC-3'
Protein context (NP_006500.2, residues 384-404): LTDGVCSEPL[Pro394Leu]FTYLPRDHDS

ClinVar aggregate classification (germline): Uncertain significance (1 of 4 stars; one submission).

Submission:

Labcorp Genetics (formerly Invitae), Labcorp
Classification: Uncertain significance. Last evaluated: 2023-06-27. Review status: criteria provided, single submitter. Criteria: Invitae Variant Classification Sherloc (09022015). Collection method: clinical testing. Allele origin: germline.
Comment: In summary, the available evidence is currently insufficient to determine the role of this variant in disease. Therefore, it has been classified as a Variant of Uncertain Significance. An algorithm developed to predict the effect of missense changes on protein structure and function (PolyPhen-2) suggests that this variant is likely to be tolerated. This variant has not been reported in the literature in individuals affected with RELB-related conditions. This variant is not present in population databases (gnomAD no frequency). This sequence change replaces proline, which is neutral and non-polar, with leucine, which is neutral and non-polar, at codon 394 of the RELB protein (p.Pro394Leu).